The following is an entry in ClinVar:

NM_014444.5(TUBGCP4):c.522-9T>A

Gene: TUBGCP4 (tubulin gamma complex component 4; plus strand). Cytogenetic location: 15q15.3.
Variant type: single nucleotide variant.
Coding change: c.522-9T>A on transcript NM_014444.5 (MANE Select); 9 bases into the intron before coding-DNA position 522, T replaced by A.
Molecular consequence: intron variant.
Genome position (GRCh38, 1-based): chr15:43,383,294, T>A. VCF-style: chr15-43383294-T-A. GRCh37 (hg19) VCF-style: chr15-43675492-T-A.
Other names: c.522-9T>A (NM_001286414.2, NM_001286414.3).
Identifiers: ClinVar variation 1164915 (VCV001164915.12), dbSNP rs376435130, ClinGen allele CA7523814.
Genomic context (GRCh38, chr15:43,383,294, plus strand): 5'-CAGGCCTCTGTTTATCCTGTAACAGTTTAAAGCATGACTTCTGAGCCTCTTACTTTCTAC[T>A]CTGCCCAGAATCCTGGCCGTTTGTCATGGGGTCATGTATAAACAGCTCTCAGCCTGGATG-3'

ClinVar aggregate classification (germline): Benign/Likely benign. Review status: criteria provided, multiple submitters, no conflicts (2 of 4 stars). 3 submissions from 3 submitters: Benign (1); Likely benign (1). 1 of the submissions does not count toward it. Last evaluated 2025-11-24.

Conditions:
TUBGCP4-related disorder. Also called: TUBGCP4-related condition.

Allele frequency attached by ClinVar (database versions not stated): gnomAD 0.00006 and 0.00010; TOPMed 0.00009; ExAC 0.00012; gnomAD exomes 0.00018; 1000 Genomes Project 0.00040; 1000 Genomes Project 30x 0.00047.

Submissions (3):

Labcorp Genetics (formerly Invitae), Labcorp
Classification: Benign. Last evaluated: 2025-11-24. Review status: criteria provided, single submitter. Criteria: Invitae Variant Classification Sherloc (09022015). Collection method: clinical testing. Allele origin: germline.

Blueprint Genetics
Classification: Likely benign. Last evaluated: 2022-06-08. Review status: criteria provided, single submitter. Criteria: ACMG Guidelines, 2015. Collection method: clinical testing. Allele origin: germline.

PreventionGenetics, part of Exact Sciences
Classification: Likely benign for TUBGCP4-related condition. Last evaluated: 2023-06-08. Review status: no assertion criteria provided. Collection method: clinical testing. Allele origin: germline. Not counted in ClinVar's aggregate classification.
Comment: This variant is classified as likely benign based on ACMG/AMP sequence variant interpretation guidelines (Richards et al. 2015 PMID: 25741868, with internal and published modifications).